The following is an entry in ClinVar:

ClinVar aggregate classification (germline): Uncertain significance (1 of 4 stars; one submission).

Conditions:
Cerebrooculofacioskeletal syndrome 3 (COFS3). Identifiers: MedGen C1851443, MONDO:0014696, OMIM 616570.

Submission:

Baylor Genetics
Classification: Uncertain significance for Cerebrooculofacioskeletal syndrome 3. Last evaluated: 2019-03-28. Review status: criteria provided, single submitter. Criteria: ACMG Guidelines, 2015. Collection method: clinical testing. Allele origin: maternal. Affected: yes.
Comment: This variant was determined to be of uncertain significance according to ACMG Guidelines, 2015 [PMID:25741868].

NM_000123.4(ERCC5):c.2487_2489del (p.Asn829del)

Genes: BIVM-ERCC5 (BIVM-ERCC5 readthrough; plus strand), ERCC5 (ERCC excision repair 5, endonuclease; plus strand), LOC126861834 (BRD4-independent group 4 enhancer GRCh37_chr13:103518038-103519237; plus strand). Cytogenetic location: 13q33.1.
Variant type: Deletion.
Coding change: c.2487_2489del on transcript NM_000123.4 (MANE Select); coding-DNA positions 2487 to 2489, 3 bases deleted (CAA; older notation c.2487_2489delCAA).
Protein change: p.Asn829del; deletes asparagine 829.
Molecular consequence: inframe deletion.
Genome position (GRCh38, 1-based): chr13:102,866,799-102,866,801, CAA deleted; deleting any 3 consecutive bases within chr13:102,866,797-102,866,801 gives the same sequence; the c. name uses the placement nearest the transcript's 3' end. VCF-style (leftmost placement, unchanged base first): chr13-102866796-AAAC-A. GRCh37 (hg19) VCF-style: chr13-103519146-AAAC-A.
Other names: c.3849_3851del, p.Asn1283del (NM_001204425.2); short protein forms N1283del, N829del.
Identifiers: ClinVar variation 1028078 (VCV001028078.1), dbSNP rs1882858341, ClinGen allele CA2115212638.
Genomic context (GRCh38, chr13:102,866,796, plus strand): 5'-TGATGACAGTGATATCTGGCTGTTTGGAGCGCGGCATGTCTATAGAAACTTTTTTAATAA[AAAC>A]AAGTTTGTAGAATATTATCAATATGTGGACTTTCACAATCAATTGGGTAAGACTTCAGAG-3'